The following is an entry in ClinVar:

NM_014714.4(IFT140):c.2865-5C>T

Genes: IFT140 (intraflagellar transport 140; minus strand), LOC126862260 (CDK7 strongly-dependent group 2 enhancer GRCh37_chr16:1574508-1575707; plus strand). Cytogenetic location: 16p13.3.
Variant type: single nucleotide variant.
Coding change: c.2865-5C>T on transcript NM_014714.4 (MANE Select); 5 bases into the intron before coding-DNA position 2865, C replaced by T.
Molecular consequence: intron variant.
Genome position (GRCh38, 1-based): chr16:1,524,921, G>A on the plus strand (C>T on the coding strand, the complement: IFT140 is on the minus strand). VCF-style: chr16-1524921-G-A. GRCh37 (hg19) VCF-style: chr16-1574922-G-A.
Identifiers: ClinVar variation 727538 (VCV000727538.8), dbSNP rs779711939, ClinGen allele CA7813438.
Genomic context (GRCh38, chr16:1,524,921, plus strand): 5'-CGGCGTCCATCTCGCCCTGGCTCTCCAGGTACTGCGCCCACCACCGCCACAGGGTCCTGC[G>A]GGCAGCCCAAGACCATGGATTCTCCACCCGAGCCCCGCTCCAACCCGGGACGGCCCCCAC-3'

ClinVar aggregate classification (germline): Likely benign. Review status: criteria provided, multiple submitters, no conflicts (2 of 4 stars). 3 submissions from 3 submitters: Likely benign (3). Last evaluated 2025-12-14.

Conditions:
IFT140-related disorder. Also called: IFT140-related condition.
Saldino-Mainzer syndrome (SRTD9). Also called: short-rib thoracic dysplasia 9 with or without polydactyly; SHORT-RIB THORACIC DYSPLASIA 9 WITHOUT POLYDACTYLY; CONORENAL SYNDROME; Renal dysplasia, retinal pigmentary dystrophy, cerebellar ataxia and skeletal dysplasia. Identifiers: Orphanet 140969, MedGen C1849437, MONDO:0009964, OMIM 266920.

Allele frequency attached by ClinVar (database versions not stated): TOPMed below 0.00001; gnomAD 0.00001.
gnomAD v4.1: 18 of 1,603,542 alleles (0.0011%); highest among the groups gnomAD compares: African/African-American, 0.0027%; no homozygotes.

Submissions (3):

Labcorp Genetics (formerly Invitae), Labcorp
Classification: Likely benign for Saldino-Mainzer syndrome. Last evaluated: 2025-12-14. Review status: criteria provided, single submitter. Criteria: Invitae Variant Classification Sherloc (09022015). Collection method: clinical testing. Allele origin: germline.

PreventionGenetics, part of Exact Sciences
Classification: Likely benign for IFT140-related condition. Last evaluated: 2025-09-30. Review status: criteria provided, single submitter. Criteria: ACMG Guidelines, 2015. Collection method: clinical testing. Allele origin: germline.
Comment: This variant is classified as likely benign based on ACMG/AMP sequence variant interpretation guidelines (Richards et al. 2015 PMID: 25741868, with internal and published modifications).

Blueprint Genetics
Classification: Likely benign. Last evaluated: 2019-11-14. Review status: criteria provided, single submitter. Criteria: ACMG Guidelines, 2015. Collection method: clinical testing. Allele origin: germline.